The following is an entry in ClinVar:

NM_002474.3(MYH11):c.4326C>T (p.Leu1442=)

Genes: MYH11 (myosin heavy chain 11; minus strand), NDE1 (nudE neurodevelopment protein 1; plus strand). Cytogenetic location: 16p13.11.
Variant type: single nucleotide variant.
Coding change: c.4326C>T on transcript NM_002474.3 (MANE Select); coding-DNA position 4326, C replaced by T.
Protein change: p.Leu1442=; no amino-acid change (leucine 1442 retained).
Molecular consequence: synonymous variant.
Genome position (GRCh38, 1-based): chr16:15,724,200, G>A on the plus strand (C>T on the coding strand, the complement: MYH11 is on the minus strand). VCF-style: chr16-15724200-G-A. GRCh37 (hg19) VCF-style: chr16-15818057-G-A.
Other names: c.4347C>T, p.Leu1449= (NM_001040113.2, NM_001040114.2); c.4326C>T, p.Leu1442= (NM_022844.3); c.957G>A, p.Thr319= (NM_001143979.2, NM_017668.3).
Identifiers: ClinVar variation 921130 (VCV000921130.17), dbSNP rs369335485, ClinGen allele CA7921712.

ClinVar aggregate classification (germline): Likely benign. Review status: criteria provided, multiple submitters, no conflicts (2 of 4 stars). 5 submissions from 5 submitters: Likely benign (5). Last evaluated 2026-01-01.

Conditions:
Familial thoracic aortic aneurysm and aortic dissection (TAAD). Also called: Thoracic aortic aneurysms and dissections. Identifiers: Orphanet 91387, MedGen C4707243, MONDO:0019625.
Aortic aneurysm, familial thoracic 4 (AAT4). Also called: AORTIC ANEURYSM/AORTIC DISSECTION AND PATENT DUCTUS ARTERIOSUS. Identifiers: MedGen C1851504, MONDO:0007568, OMIM 132900.

Allele frequency attached by ClinVar (database versions not stated): ExAC 0.00001; gnomAD exomes 0.00001; TOPMed 0.00003.
gnomAD v4.1: 16 of 1,613,936 alleles (0.00099%); highest among the groups gnomAD compares: Admixed American, 0.0067%; no homozygotes.

Submissions (5):

CeGaT Center for Human Genetics Tuebingen
Classification: Likely benign. Last evaluated: 2026-01-01. Review status: criteria provided, single submitter. Criteria: CeGaT Center For Human Genetics Tuebingen Variant Classification Criteria Version 2. Collection method: clinical testing. Allele origin: germline. Affected: yes. Observed: 1 variant allele.
Comment: MYH11: BP4, BP7; NDE1: BP4, BP7

Labcorp Genetics (formerly Invitae), Labcorp
Classification: Likely benign for Aortic aneurysm, familial thoracic 4. Last evaluated: 2024-10-08. Review status: criteria provided, single submitter. Criteria: Invitae Variant Classification Sherloc (09022015). Collection method: clinical testing. Allele origin: germline.

All of Us Research Program, National Institutes of Health
Classification: Likely benign for Familial thoracic aortic aneurysm and aortic dissection. Last evaluated: 2023-12-15. Review status: criteria provided, single submitter. Criteria: ACMG Guidelines, 2015. Collection method: clinical testing. Allele origin: germline. Inheritance: Autosomal dominant inheritance. Observed: 4 variant alleles, 4 heterozygotes.
Comment: This study involves interpretation of variants in research participants for the purpose of population health screening. Participant phenotype was not available at the time of variant classification. Additional details can be found in publication PMID: 35346344, PMCID: PMC8962531

Ambry Genetics
Classification: Likely benign for Familial thoracic aortic aneurysm and aortic dissection. Last evaluated: 2021-01-07. Review status: criteria provided, single submitter. Criteria: Ambry Variant Classification Scheme 2023. Collection method: clinical testing. Allele origin: germline.

Color Diagnostics, LLC DBA Color Health
Classification: Likely benign for Familial thoracic aortic aneurysm and aortic dissection. Last evaluated: 2019-03-07. Review status: criteria provided, single submitter. Criteria: ACMG Guidelines, 2015. Collection method: clinical testing. Allele origin: germline.